The following is an entry in ClinVar:

NM_000093.5(COL5A1):c.2318A>T (p.Glu773Val)

Gene: COL5A1 (collagen type V alpha 1 chain; plus strand). Cytogenetic location: 9q34.3.
Variant type: single nucleotide variant.
Coding change: c.2318A>T on transcript NM_000093.5 (MANE Select); coding-DNA position 2318, A replaced by T.
Protein change: p.Glu773Val; replaces glutamic acid 773 with valine.
Molecular consequence: missense variant.
Genome position (GRCh38, 1-based): chr9:134,772,821, A>T. VCF-style: chr9-134772821-A-T. GRCh37 (hg19) VCF-style: chr9-137664667-A-T.
Other names: c.2318A>T, p.Glu773Val (NM_001278074.1); short protein forms E773V.
Identifiers: ClinVar variation 645063 (VCV000645063.10), dbSNP rs759963647, ClinGen allele CA5319269.
Genomic context (GRCh38, chr9:134,772,821, plus strand): 5'-ACTAATCAATGCTTCTTCTTTTGTGACAGGGACACCCTGGCAAAGAAGGCCCTCCAGGAG[A>T]GAAAGGAGGTCAGGTGGGTGCTCGCCACGCCCTCCTACCCTTCAGCATCCAGGTGGGGCG-3'
Protein context (NP_000084.3, residues 763-783): GHPGKEGPPG[Glu773Val]KGGQGPPGPQ

ClinVar aggregate classification (germline): Uncertain significance (1 of 4 stars; one submission).

Conditions:
Ehlers-Danlos syndrome, classic type, 1 (EDSCL1). Also called: EDS I; EHLERS-DANLOS SYNDROME, GRAVIS TYPE; EHLERS-DANLOS SYNDROME, SEVERE CLASSIC TYPE; Ehlers-Danlos Syndrome, Classic Type, COL5A1-Related; Ehlers-Danlos syndrome, type 1. Identifiers: MedGen C0268335, MONDO:0019567, OMIM 130000.

Allele frequency attached by ClinVar (database versions not stated): gnomAD exomes below 0.00001; ExAC 0.00001.
gnomAD v4.1: 1 of 1,613,960 alleles (0.000062%); highest among the groups gnomAD compares: Non-Finnish European, 0.000085%; no homozygotes.

Submission:

Labcorp Genetics (formerly Invitae), Labcorp
Classification: Uncertain significance for Ehlers-Danlos syndrome, classic type, 1. Last evaluated: 2018-08-08. Review status: criteria provided, single submitter. Criteria: Invitae Variant Classification Sherloc (09022015). Collection method: clinical testing. Allele origin: germline.
Comment: In summary, the available evidence is currently insufficient to determine the role of this variant in disease. Therefore, it has been classified as a Variant of Uncertain Significance. Algorithms developed to predict the effect of missense changes on protein structure and function (SIFT, Align-GVGD) all suggest that this variant is likely to be disruptive, but these predictions have not been confirmed by published functional studies and their clinical significance is uncertain. This variant has not been reported in the literature in individuals with COL5A1-related disease. This variant is present in population databases (rs759963647, ExAC 0.002%). This sequence change replaces glutamic acid with valine at codon 773 of the COL5A1 protein (p.Glu773Val). The glutamic acid residue is highly conserved and there is a moderate physicochemical difference between glutamic acid and valine.